The following is an entry in ClinVar:

ClinVar aggregate classification (germline): Benign/Likely benign. Review status: criteria provided, multiple submitters, no conflicts (2 of 4 stars). 9 submissions from 9 submitters: Benign (4); Likely benign (5). Last evaluated 2026-07-01.

Conditions:
Early-infantile DEE. Also called: Early infantile epileptic encephalopathy with suppression bursts; Ohtahara syndrome; Early infantile epileptic encephalopathy. Identifiers: Orphanet 1934, MedGen C0393706, MONDO:0800491.
Inborn genetic diseases. Identifiers: MedGen C0950123, MeSH D030342.

Allele frequency attached by ClinVar (database versions not stated): gnomAD exomes 0.00017 and 0.00076; gnomAD 0.00040; ExAC 0.00063; TOPMed 0.00090; 1000 Genomes Project 0.00140; 1000 Genomes Project 30x 0.00156.
gnomAD v4.1: 320 of 1,613,830 alleles (0.02%); highest among the groups gnomAD compares: Admixed American, 0.45%; 3 homozygotes.

Submissions (9):

CeGaT Center for Human Genetics Tuebingen
Classification: Likely benign. Last evaluated: 2026-07-01. Review status: criteria provided, single submitter. Criteria: CeGaT Center For Human Genetics Tuebingen Variant Classification Criteria Version 2. Collection method: clinical testing. Allele origin: germline. Affected: yes. Observed: 6 variant alleles.
Comment: SCN1A: BP4, BP7, BS1

Labcorp Genetics (formerly Invitae), Labcorp
Classification: Benign for Early-infantile DEE. Last evaluated: 2026-02-03. Review status: criteria provided, single submitter. Criteria: Invitae Variant Classification Sherloc (09022015). Collection method: clinical testing. Allele origin: germline.

Mayo Clinic Laboratories, Mayo Clinic
Classification: Benign. Last evaluated: 2025-06-05. Review status: criteria provided, single submitter. Criteria: ACMG Guidelines, 2015. Collection method: clinical testing. Allele origin: germline. Observed: 1 variant allele.
Comment: BA1, BP4, BP7

Athena Diagnostics
Classification: Benign. Last evaluated: 2025-01-30. Review status: criteria provided, single submitter. Criteria: Athena Diagnostics Criteria. Collection method: clinical testing. Allele origin: unknown.
Comment: The frequency of this variant in the general population is higher than would generally be expected for pathogenic variants in this gene.

Blueprint Genetics
Classification: Likely benign. Last evaluated: 2024-11-14. Review status: criteria provided, single submitter. Criteria: ACMG Guidelines, 2015. Collection method: clinical testing. Allele origin: germline.

Ambry Genetics
Classification: Likely benign for Inborn genetic diseases. Last evaluated: 2016-09-30. Review status: criteria provided, single submitter. Criteria: Ambry Variant Classification Scheme 2023. Collection method: clinical testing. Allele origin: germline.

GeneDx
Classification: Benign. Last evaluated: 2015-03-03. Review status: criteria provided, single submitter. Criteria: GeneDx Variant Classification Process June 2021. Collection method: clinical testing. Allele origin: germline. Affected: yes.

Eurofins Ntd Llc (ga)
Classification: Likely benign. Last evaluated: 2015-01-30. Review status: criteria provided, single submitter. Criteria: EGL Classification Definitions 2015. Collection method: clinical testing. Allele origin: germline. Observed: 2 variant alleles, 2 heterozygotes.

Breakthrough Genomics
Classification: Likely benign. Review status: criteria provided, single submitter. Criteria: ACMG Guidelines, 2015. Collection method: not provided. Allele origin: germline. Inheritance: Autosomal dominant inheritance. Affected: yes.

Literature cited by the submitters: PubMed 20452746 (cited by Mayo Clinic Laboratories, Mayo Clinic and Eurofins Ntd Llc (ga)).

NM_001165963.4(SCN1A):c.5286A>G (p.Gly1762=)

Genes: SCN1A (sodium voltage-gated channel alpha subunit 1; minus strand), LOC102724058 (uncharacterized LOC102724058; plus strand). Cytogenetic location: 2q24.3.
Variant type: single nucleotide variant.
Coding change: c.5286A>G on transcript NM_001165963.4 (MANE Select); coding-DNA position 5286, A replaced by G.
Protein change: p.Gly1762=; no amino-acid change (glycine 1762 retained).
Molecular consequence: synonymous variant. On other transcripts: non-coding transcript variant (1).
Genome position (GRCh38, 1-based): chr2:165,991,989, T>C on the plus strand (A>G on the coding strand, the complement: SCN1A is on the minus strand). VCF-style: chr2-165991989-T-C. GRCh37 (hg19) VCF-style: chr2-166848499-T-C.
Other names: p.Gly1762=; c.5286A>G (NM_001165963.3, NM_001202435.1); c.5202A>G, p.Gly1734= (NM_001165964.3, NM_001353957.2, NM_001353958.2); c.5286A>G, p.Gly1762= (NM_001202435.3, NM_001353948.2); c.5253A>G, p.Gly1751= (NM_001353949.2, NM_001353950.2, NM_001353951.2 and 2 more transcripts); c.5250A>G, p.Gly1750= (NM_001353954.2, NM_001353955.2); c.5199A>G, p.Gly1733= (NM_001353960.2); c.2844A>G, p.Gly948= (NM_001353961.2).
Identifiers: ClinVar variation 195943 (VCV000195943.85), dbSNP rs150570058, ClinGen allele CA202037.
Genomic context (GRCh38, chr2:165,991,989, plus strand): 5'-GATGTACATGTTCACCACAACCAGGAAGGATATGATGATGTAACTGACAAAAAAGAAAAT[T>C]CCAACAGATGGGTTCCCACAGTCTCCCTTAACTGAGCTTCCAGGGTTAACTTTATTAGGG-3'
Protein context (NP_001159435.1, residues 1752-1772): VKGDCGNPSV[Gly1762=]IFFFVSYIII